The following is an entry in ClinVar:

NM_015656.2(KIF26A):c.1545C>G (p.Ser515=)

Gene: KIF26A (kinesin family member 26A; plus strand). Cytogenetic location: 14q32.33.
Variant type: single nucleotide variant.
Coding change: c.1545C>G on transcript NM_015656.2 (MANE Select); coding-DNA position 1545, C replaced by G.
Protein change: p.Ser515=; no amino-acid change (serine 515 retained).
Molecular consequence: synonymous variant.
Genome position (GRCh38, 1-based): chr14:104,173,101, C>G. VCF-style: chr14-104173101-C-G. GRCh37 (hg19) VCF-style: chr14-104639438-C-G.
Identifiers: ClinVar variation 2644601 (VCV002644601.24), dbSNP rs369538661, ClinGen allele CA267324912.

ClinVar aggregate classification (germline): Likely benign (1 of 4 stars; one submission).

Submission:

CeGaT Center for Human Genetics Tuebingen
Classification: Likely benign. Last evaluated: 2023-01-01. Review status: criteria provided, single submitter. Criteria: CeGaT Center For Human Genetics Tuebingen Variant Classification Criteria Version 2. Collection method: clinical testing. Allele origin: germline. Affected: yes. Observed: 1 variant allele.
Comment: KIF26A: BP4, BP7